The following is an entry in ClinVar:

NM_052844.4(DYNC2I2):c.946A>T (p.Met316Leu)

Genes: DYNC2I2 (dynein 2 intermediate chain 2; minus strand), LOC126860772 (CDK7 strongly-dependent group 2 enhancer GRCh37_chr9:131396972-131398171; plus strand). Cytogenetic location: 9q34.11.
Variant type: single nucleotide variant.
Coding change: c.946A>T on transcript NM_052844.4 (MANE Select); coding-DNA position 946, A replaced by T.
Protein change: p.Met316Leu; replaces methionine 316 with leucine.
Molecular consequence: missense variant.
Genome position (GRCh38, 1-based): chr9:128,635,127, T>A on the plus strand (A>T on the coding strand, the complement: DYNC2I2 is on the minus strand). VCF-style: chr9-128635127-T-A. GRCh37 (hg19) VCF-style: chr9-131397406-T-A.
Other names: short protein forms M316L.
Identifiers: ClinVar variation 2019031 (VCV002019031.4), dbSNP rs1415152422, ClinGen allele CA375115006.

ClinVar aggregate classification (germline): Uncertain significance (1 of 4 stars; one submission).

Conditions:
Short-rib thoracic dysplasia 11 with or without polydactyly (SRTD11). Also called: SHORT-RIB THORACIC DYSPLASIA 11 WITHOUT POLYDACTYLY. Identifiers: Orphanet 474, Orphanet 93271, MedGen C3810200, MONDO:0014287, OMIM 615633.

Submission:

Labcorp Genetics (formerly Invitae), Labcorp
Classification: Uncertain significance for Short-rib thoracic dysplasia 11 with or without polydactyly. Last evaluated: 2025-11-10. Review status: criteria provided, single submitter. Criteria: Invitae Variant Classification Sherloc (09022015). Collection method: clinical testing. Allele origin: germline.
Comment: This sequence change replaces methionine, which is neutral and non-polar, with leucine, which is neutral and non-polar, at codon 316 of the WDR34 protein (p.Met316Leu). This variant is not present in population databases (gnomAD no frequency). This variant has not been reported in the literature in individuals affected with WDR34-related conditions. ClinVar contains an entry for this variant (Variation ID: 2019031). An algorithm developed to predict the effect of missense changes on protein structure and function outputs the following: PolyPhen-2: "Benign". The leucine amino acid residue is found in multiple mammalian species, which suggests that this missense change does not adversely affect protein function. In summary, the available evidence is currently insufficient to determine the role of this variant in disease. Therefore, it has been classified as a Variant of Uncertain Significance.